The following is an entry in ClinVar:

ClinVar aggregate classification (germline): Likely pathogenic (1 of 4 stars; one submission).

Submission:

GeneDx
Classification: Likely pathogenic. Last evaluated: 2026-03-17. Review status: criteria provided, single submitter. Criteria: GeneDx Variant Classification Process June 2021. Collection method: clinical testing. Allele origin: germline.
Comment: Nonsense variant predicted to result in protein truncation or nonsense mediated decay in a gene for which loss of function is a known mechanism of disease; Not observed at significant frequency in large population cohorts (gnomAD); Has not been previously published as pathogenic or benign to our knowledge

NM_005548.3(KARS1):c.1228G>T (p.Glu410Ter)

Gene: KARS1 (lysyl-tRNA synthetase 1; minus strand). Cytogenetic location: 16q23.1.
Variant type: single nucleotide variant.
Coding change: c.1228G>T on transcript NM_005548.3 (MANE Select); coding-DNA position 1228, G replaced by T.
Protein change: p.Glu410Ter; replaces glutamic acid 410 with a stop codon.
Molecular consequence: nonsense.
Genome position (GRCh38, 1-based): chr16:75,631,440, C>A on the plus strand (G>T on the coding strand, the complement: KARS1 is on the minus strand). VCF-style: chr16-75631440-C-A. GRCh37 (hg19) VCF-style: chr16-75665338-C-A.
Other names: c.1312G>T, p.Glu438Ter (NM_001130089.2); c.760G>T, p.Glu254Ter (NM_001378148.1); short protein forms E254*, E410*, E438*.
Identifiers: ClinVar variation 5008287 (VCV005008287.1).